The following is an entry in ClinVar:

ClinVar aggregate classification (germline): Likely benign (0 of 4 stars; one submission).

Conditions:
OSMR-related disorder. Also called: OSMR-related condition.

Allele frequency attached by ClinVar (database versions not stated): ExAC 0.00007; gnomAD 0.00010; TOPMed 0.00039.
gnomAD v4.1: 63 of 1,613,796 alleles (0.0039%); highest among the groups gnomAD compares: Admixed American, 0.033%; no homozygotes.

Submission:

PreventionGenetics, part of Exact Sciences
Classification: Likely benign for OSMR-related condition. Last evaluated: 2019-08-26. Review status: no assertion criteria provided. Collection method: clinical testing. Allele origin: germline.
Comment: This variant is classified as likely benign based on ACMG/AMP sequence variant interpretation guidelines (Richards et al. 2015 PMID: 25741868, with internal and published modifications).

NM_003999.3(OSMR):c.2880G>A (p.Pro960=)

Gene: OSMR (oncostatin M receptor; plus strand). Cytogenetic location: 5p13.1.
Variant type: single nucleotide variant.
Coding change: c.2880G>A on transcript NM_003999.3 (MANE Select); coding-DNA position 2880, G replaced by A.
Protein change: p.Pro960=; no amino-acid change (proline 960 retained).
Molecular consequence: synonymous variant.
Genome position (GRCh38, 1-based): chr5:38,933,384, G>A. VCF-style: chr5-38933384-G-A. GRCh37 (hg19) VCF-style: chr5-38933486-G-A.
Other names: c.2880G>A, p.Pro960= (NM_001323505.2); c.2883G>A, p.Pro961= (NM_001323506.2).
Identifiers: ClinVar variation 3053615 (VCV003053615.2), dbSNP rs764796970, ClinGen allele CA3244457.